The following is an entry in ClinVar:

NM_000170.3(GLDC):c.2074C>G (p.Leu692Val)

Gene: GLDC (glycine decarboxylase; minus strand). Cytogenetic location: 9p24.1.
Variant type: single nucleotide variant.
Coding change: c.2074C>G on transcript NM_000170.3 (MANE Select); coding-DNA position 2074, C replaced by G.
Protein change: p.Leu692Val; replaces leucine 692 with valine.
Molecular consequence: missense variant.
Genome position (GRCh38, 1-based): chr9:6,556,281, G>C on the plus strand (C>G on the coding strand, the complement: GLDC is on the minus strand). VCF-style: chr9-6556281-G-C. GRCh37 (hg19) VCF-style: chr9-6556281-G-C.
Other names: short protein forms L692V.
Identifiers: ClinVar variation 2144905 (VCV002144905.1), dbSNP rs1171271917, ClinGen allele CA372881424.

ClinVar aggregate classification (germline): Uncertain significance (1 of 4 stars; one submission).

Conditions:
Glycine encephalopathy. Also called: Non-ketotic hyperglycinemia; Nonketotic hyperglycinemia. Identifiers: Orphanet 407, MedGen C0751748, MONDO:0011612, HP:0008288.

Allele frequency attached by ClinVar (database versions not stated): gnomAD exomes below 0.00001; TOPMed below 0.00001.
gnomAD v4.1: 8 of 1,613,588 alleles (0.0005%); highest among the groups gnomAD compares: African/African-American, 0.0013%; no homozygotes.

Submission:

Labcorp Genetics (formerly Invitae), Labcorp
Classification: Uncertain significance for Glycine encephalopathy. Last evaluated: 2022-08-06. Review status: criteria provided, single submitter. Criteria: Invitae Variant Classification Sherloc (09022015). Collection method: clinical testing. Allele origin: germline.
Comment: This sequence change replaces leucine, which is neutral and non-polar, with valine, which is neutral and non-polar, at codon 692 of the GLDC protein (p.Leu692Val). This variant is present in population databases (no rsID available, gnomAD 0.0009%). This variant has not been reported in the literature in individuals affected with GLDC-related conditions. Algorithms developed to predict the effect of missense changes on protein structure and function are either unavailable or do not agree on the potential impact of this missense change (SIFT: "Deleterious"; PolyPhen-2: "Probably Damaging"; Align-GVGD: "Class C0"). In summary, the available evidence is currently insufficient to determine the role of this variant in disease. Therefore, it has been classified as a Variant of Uncertain Significance.